The following is an entry in ClinVar:

NM_001039.4(SCNN1G):c.1724G>A (p.Trp575Ter)

Gene: SCNN1G (sodium channel epithelial 1 subunit gamma; plus strand). Cytogenetic location: 16p12.2.
Variant type: single nucleotide variant.
Coding change: c.1724G>A on transcript NM_001039.4 (MANE Select); coding-DNA position 1724, G replaced by A.
Protein change: p.Trp575Ter; replaces tryptophan 575 with a stop codon.
Molecular consequence: nonsense.
Genome position (GRCh38, 1-based): chr16:23,215,243, G>A. VCF-style: chr16-23215243-G-A. GRCh37 (hg19) VCF-style: chr16-23226564-G-A.
Other names: short protein forms W575*.
Identifiers: ClinVar variation 5018957 (VCV005018957.1).

ClinVar aggregate classification (germline): Uncertain significance (1 of 4 stars; one submission).

Conditions:
Liddle syndrome 2. Identifiers: MedGen C4748251, MONDO:0020854, OMIM 618114.

Submission:

Juno Genomics, Hangzhou Juno Genomics, Inc
Classification: Uncertain significance for Liddle syndrome 2. Review status: criteria provided, single submitter. Criteria: ACMG Guidelines, 2015. Collection method: clinical testing. Allele origin: germline. Affected: yes.
Comment: Absent from controls (or at extremely low frequency if recessive) in Genome Aggregation Database.;Located in a mutational hot spot and/or critical and well-established functional domain without benign variation.;Assumed de novo, but without confirmation of paternity and maternity.